The following is an entry in ClinVar:

NM_152305.3(POGLUT1):c.361C>T (p.Arg121Cys)

Gene: POGLUT1 (protein O-glucosyltransferase 1; plus strand). Cytogenetic location: 3q13.33.
Variant type: single nucleotide variant.
Coding change: c.361C>T on transcript NM_152305.3 (MANE Select); coding-DNA position 361, C replaced by T.
Protein change: p.Arg121Cys; replaces arginine 121 with cysteine.
Molecular consequence: missense variant. On other transcripts: non-coding transcript variant (1).
Genome position (GRCh38, 1-based): chr3:119,477,353, C>T. VCF-style: chr3-119477353-C-T. GRCh37 (hg19) VCF-style: chr3-119196200-C-T.
Other names: c.361C>T (NM_152305.2); c.361C>T, p.Arg121Cys (NM_020231.3); short protein forms R121C.
Identifiers: ClinVar variation 2060575 (VCV002060575.6), dbSNP rs369098373, ClinGen allele CA2554828.
Genomic context (GRCh38, chr3:119,477,353, plus strand): 5'-ATGGTATGTCTGGTTGACAGGTGTAGTGGTGTTGAGCACTTTATTTTGGAAGTGATCGGG[C>T]GTCTCCCTGACATGGAGATGGTGATCAATGTACGAGATTATCCTCAGGTTCCTAAATGGA-3'
Protein context (NP_689518.1, residues 111-131): VEHFILEVIG[Arg121Cys]LPDMEMVINV

ClinVar aggregate classification (germline): Uncertain significance. Review status: criteria provided, multiple submitters, no conflicts (2 of 4 stars). 3 submissions from 3 submitters: Uncertain significance (3). Last evaluated 2025-11-08.

Conditions:
Inborn genetic diseases. Identifiers: MedGen C0950123, MeSH D030342.

Allele frequency attached by ClinVar (database versions not stated): ExAC 0.00003; ESP Exome Variant Server 0.00008; gnomAD 0.00011.
gnomAD v4.1: 46 of 1,613,808 alleles (0.0029%); highest among the groups gnomAD compares: African/African-American, 0.056%; no homozygotes.

Submissions (3):

Ambry Genetics
Classification: Uncertain significance for Inborn genetic diseases. Last evaluated: 2025-11-08. Review status: criteria provided, single submitter. Criteria: Ambry Variant Classification Scheme 2023. Collection method: clinical testing. Allele origin: germline.

Labcorp Genetics (formerly Invitae), Labcorp
Classification: Uncertain significance. Last evaluated: 2025-09-28. Review status: criteria provided, single submitter. Criteria: Invitae Variant Classification Sherloc (09022015). Collection method: clinical testing. Allele origin: germline.
Comment: This sequence change replaces arginine, which is basic and polar, with cysteine, which is neutral and slightly polar, at codon 121 of the POGLUT1 protein (p.Arg121Cys). This variant is present in population databases (rs369098373, gnomAD 0.02%). This variant has not been reported in the literature in individuals affected with POGLUT1-related conditions. ClinVar contains an entry for this variant (Variation ID: 2060575). Invitae Evidence Modeling of protein sequence and biophysical properties (such as structural, functional, and spatial information, amino acid conservation, physicochemical variation, residue mobility, and thermodynamic stability) indicates that this missense variant is not expected to disrupt POGLUT1 protein function with a negative predictive value of 80%. In summary, the available evidence is currently insufficient to determine the role of this variant in disease. Therefore, it has been classified as a Variant of Uncertain Significance.

GeneDx
Classification: Uncertain significance. Last evaluated: 2023-01-12. Review status: criteria provided, single submitter. Criteria: GeneDx Variant Classification Process June 2021. Collection method: clinical testing. Allele origin: germline. Affected: yes.
Comment: In silico analysis supports that this missense variant has a deleterious effect on protein structure/function; Has not been previously published as pathogenic or benign to our knowledge